The following is an entry in ClinVar:

NM_014319.5(LEMD3):c.2222A>G (p.Asp741Gly)

Gene: LEMD3 (LEM domain containing 3; plus strand). Cytogenetic location: 12q14.3.
Variant type: single nucleotide variant.
Coding change: c.2222A>G on transcript NM_014319.5 (MANE Select); coding-DNA position 2222, A replaced by G.
Protein change: p.Asp741Gly; replaces aspartic acid 741 with glycine.
Molecular consequence: missense variant.
Genome position (GRCh38, 1-based): chr12:65,241,004, A>G. VCF-style: chr12-65241004-A-G. GRCh37 (hg19) VCF-style: chr12-65634784-A-G.
Other names: c.2219A>G, p.Asp740Gly (NM_001167614.2); short protein forms D741G, D740G.
Identifiers: ClinVar variation 1391850 (VCV001391850.8), dbSNP rs907772664, ClinGen allele CA238915234.
Genomic context (GRCh38, chr12:65,241,004, plus strand): 5'-ACTTCCTTGCTGCTAATGAGTCTAGAGTTCGCACGGAAACACGAAGAATAGGTGGTGCAG[A>G]TTTTCTGGTTTGGCGGTGGATCCAGCCTTCTGCATCCTGTGACAAAATATTAGTTATACC-3'
Protein context (NP_055134.2, residues 731-751): RTETRRIGGA[Asp741Gly]FLVWRWIQPS

ClinVar aggregate classification (germline): Uncertain significance (1 of 4 stars; one submission).

Allele frequency attached by ClinVar (database versions not stated): gnomAD exomes below 0.00001; TOPMed below 0.00001.
gnomAD v4.1: 2 of 1,614,064 alleles (0.00012%); highest among the groups gnomAD compares: Admixed American, 0.0017%; no homozygotes.

Submission:

Labcorp Genetics (formerly Invitae), Labcorp
Classification: Uncertain significance. Last evaluated: 2025-11-11. Review status: criteria provided, single submitter. Criteria: Invitae Variant Classification Sherloc (09022015). Collection method: clinical testing. Allele origin: germline.
Comment: This sequence change replaces aspartic acid, which is acidic and polar, with glycine, which is neutral and non-polar, at codon 741 of the LEMD3 protein (p.Asp741Gly). This variant is present in population databases (no rsID available, gnomAD 0.007%). This variant has not been reported in the literature in individuals affected with LEMD3-related conditions. ClinVar contains an entry for this variant (Variation ID: 1391850). Invitae Evidence Modeling of protein sequence and biophysical properties (such as structural, functional, and spatial information, amino acid conservation, physicochemical variation, residue mobility, and thermodynamic stability) indicates that this missense variant is expected to disrupt LEMD3 protein function with a positive predictive value of 80%. In summary, the available evidence is currently insufficient to determine the role of this variant in disease. Therefore, it has been classified as a Variant of Uncertain Significance.